The following is an entry in ClinVar:

NM_144997.7(FLCN):c.295G>A (p.Asp99Asn)

Gene: FLCN (folliculin; minus strand). Cytogenetic location: 17p11.2.
Variant type: single nucleotide variant.
Coding change: c.295G>A on transcript NM_144997.7 (MANE Select); coding-DNA position 295, G replaced by A.
Protein change: p.Asp99Asn; replaces aspartic acid 99 with asparagine.
Molecular consequence: missense variant.
Genome position (GRCh38, 1-based): chr17:17,226,277, C>T on the plus strand (G>A on the coding strand, the complement: FLCN is on the minus strand). VCF-style: chr17-17226277-C-T. GRCh37 (hg19) VCF-style: chr17-17129591-C-T.
Other names: c.295G>A, p.Asp99Asn (NM_001353229.2, NM_001353230.2, NM_001353231.2 and 1 more transcripts); short protein forms D99N.
Identifiers: ClinVar variation 1798156 (VCV001798156.5), dbSNP rs2544282801, ClinGen allele CA398534905.

ClinVar aggregate classification (germline): Uncertain significance. Review status: criteria provided, multiple submitters, no conflicts (2 of 4 stars). 2 submissions from 2 submitters: Uncertain significance (2). Last evaluated 2025-07-19.

Conditions:
Hereditary cancer-predisposing syndrome. Also called: Neoplastic Syndromes, Hereditary; Tumor predisposition; Hereditary neoplastic syndrome; Hereditary Cancer Syndrome. Identifiers: Orphanet 140162, MedGen C0027672, MeSH D009386, MONDO:0015356.
Birt-Hogg-Dube syndrome. Also called: Birt Hogg Dubé syndrome. Identifiers: Orphanet 122, MedGen C0346010, MONDO:0800444.

Submissions (2):

Labcorp Genetics (formerly Invitae), Labcorp
Classification: Uncertain significance for Birt-Hogg-Dube syndrome. Last evaluated: 2025-07-19. Review status: criteria provided, single submitter. Criteria: Invitae Variant Classification Sherloc (09022015). Collection method: clinical testing. Allele origin: germline.
Comment: This sequence change replaces aspartic acid, which is acidic and polar, with asparagine, which is neutral and polar, at codon 99 of the FLCN protein (p.Asp99Asn). This variant is not present in population databases (gnomAD no frequency). This variant has not been reported in the literature in individuals affected with FLCN-related conditions. ClinVar contains an entry for this variant (Variation ID: 1798156). Invitae Evidence Modeling of protein sequence and biophysical properties (such as structural, functional, and spatial information, amino acid conservation, physicochemical variation, residue mobility, and thermodynamic stability) indicates that this missense variant is expected to disrupt FLCN protein function with a positive predictive value of 80%. In summary, the available evidence is currently insufficient to determine the role of this variant in disease. Therefore, it has been classified as a Variant of Uncertain Significance.

Ambry Genetics
Classification: Uncertain significance for Hereditary cancer-predisposing syndrome. Last evaluated: 2021-03-19. Review status: criteria provided, single submitter. Criteria: Ambry Variant Classification Scheme 2023. Collection method: clinical testing. Allele origin: germline.
Comment: The p.D99N variant (also known as c.295G>A), located in coding exon 2 of the FLCN gene, results from a G to A substitution at nucleotide position 295. The aspartic acid at codon 99 is replaced by asparagine, an amino acid with highly similar properties. This amino acid position is highly conserved in available vertebrate species. In addition, the in silico prediction for this alteration is inconclusive. Since supporting evidence is limited at this time, the clinical significance of this alteration remains unclear.